The following is an entry in ClinVar:

ClinVar aggregate classification (germline): Conflicting classifications of pathogenicity. Review status: criteria provided, conflicting classifications (1 of 4 stars). 4 submissions from 4 submitters: Uncertain significance (1); Likely benign (3). Last evaluated 2025-09-10.

Conditions:
Oligodontia-cancer predisposition syndrome. Also called: TOOTH AGENESIS-COLORECTAL CANCER SYNDROME. Identifiers: Orphanet 300576, MedGen C1837750, MONDO:0012075, OMIM 608615. Disease mechanism: loss of function.
Hereditary cancer-predisposing syndrome. Also called: Hereditary neoplastic syndrome; Tumor predisposition; Neoplastic Syndromes, Hereditary; Hereditary Cancer Syndrome. Identifiers: Orphanet 140162, MedGen C0027672, MeSH D009386, MONDO:0015356.

Allele frequency attached by ClinVar (database versions not stated): gnomAD 0.00001; TOPMed 0.00001.
gnomAD v4.1: 8 of 1,613,636 alleles (0.0005%); highest among the groups gnomAD compares: Admixed American, 0.0017%; no homozygotes.

Submissions (4):

Labcorp Genetics (formerly Invitae), Labcorp
Classification: Likely benign for Oligodontia-cancer predisposition syndrome. Last evaluated: 2025-09-10. Review status: criteria provided, single submitter. Criteria: Invitae Variant Classification Sherloc (09022015). Collection method: clinical testing. Allele origin: germline.

Sema4
Classification: Likely benign for Hereditary cancer-predisposing syndrome. Last evaluated: 2022-01-02. Review status: criteria provided, single submitter. Criteria: Sema4 Curation Guidelines. Collection method: curation. Allele origin: germline.

Ambry Genetics
Classification: Likely benign for Hereditary cancer-predisposing syndrome. Last evaluated: 2019-09-27. Review status: criteria provided, single submitter. Criteria: Ambry Variant Classification Scheme 2023. Collection method: clinical testing. Allele origin: germline.

GeneDx
Classification: Uncertain significance. Last evaluated: 2014-10-24. Review status: criteria provided, single submitter. Criteria: GeneDx Variant Classification (06012015). Collection method: clinical testing. Allele origin: germline. Affected: yes.
Comment: This variant is denoted AXIN2 c.2034G>T at the DNA level. Although the variant is silent at the coding level, preserving a Leucine at codon 678, it is predicted to activate a cryptic splice acceptor site possibly leading to abnormal splicing. This variant has not, to our knowledge, been published in the literature as pathogenic or benign. AXIN2 2034G>T was not observed in approximately 6,500 individuals of European and African American ancestry in the NHLBI Exome Sequencing Project, indicating it is not a common benign variant in these populations. The nucleotide which is altered, a guanine (G) at base 2034, is highly variable across species. Based on the currently available information, it is unclear whether AXIN2 2034G>T is pathogenic or benign. We consider it to be a variant of uncertain significance.

NM_004655.4(AXIN2):c.2034G>T (p.Leu678=)

Gene: AXIN2 (axin 2; minus strand). Cytogenetic location: 17q24.1.
Variant type: single nucleotide variant.
Coding change: c.2034G>T on transcript NM_004655.4 (MANE Select); coding-DNA position 2034, G replaced by T.
Protein change: p.Leu678=; no amino-acid change (leucine 678 retained).
Molecular consequence: synonymous variant.
Genome position (GRCh38, 1-based): chr17:65,536,427, C>A on the plus strand (G>T on the coding strand, the complement: AXIN2 is on the minus strand). VCF-style: chr17-65536427-C-A. GRCh37 (hg19) VCF-style: chr17-63532545-C-A.
Other names: c.2034G>T (LRG_296t1); c.1839G>T, p.Leu613= (NM_001363813.1).
Identifiers: ClinVar variation 418055 (VCV000418055.18), dbSNP rs748632114, ClinGen allele CA16620563.
Genomic context (GRCh38, chr17:65,536,427, plus strand): 5'-CTCCAGCTGAGCCAGCGTGTTGGGTGGGGTCAGGGGAGGCATCGCAGGGTCCTGGGTGAA[C>A]AGGTGGGCACGGGGGGTGGTGCGGGGGTGCCCGCTGTTGCCCCCCCACAGATGGTGCCGG-3'
Protein context (NP_004646.3, residues 668-688): GHPRTTPRAH[Leu678=]FTQDPAMPPL